The following is an entry in ClinVar:

NM_004397.6(DDX6):c.1355A>G (p.Gln452Arg)

Gene: DDX6 (DEAD-box helicase 6; minus strand). Cytogenetic location: 11q23.3.
Variant type: single nucleotide variant.
Coding change: c.1355A>G on transcript NM_004397.6 (MANE Select); coding-DNA position 1355, A replaced by G.
Protein change: p.Gln452Arg; replaces glutamine 452 with arginine.
Molecular consequence: missense variant.
Genome position (GRCh38, 1-based): chr11:118,754,809, T>C on the plus strand (A>G on the coding strand, the complement: DDX6 is on the minus strand). VCF-style: chr11-118754809-T-C. GRCh37 (hg19) VCF-style: chr11-118625518-T-C.
Other names: c.1355A>G, p.Gln452Arg (NM_001257191.3, NM_001425145.1, NM_001425146.1); c.1352A>G, p.Gln451Arg (NM_001425147.1, NM_001425148.1); c.1226A>G, p.Gln409Arg (NM_001425149.1, NM_001425150.1); c.1208A>G, p.Gln403Arg (NM_001425151.1, NM_001425152.1); c.1079A>G, p.Gln360Arg (NM_001425153.1); c.1031A>G, p.Gln344Arg (NM_001425154.1); c.1355A>G (NM_004397.5); short protein forms Q409R, Q452R, Q344R, Q451R, Q360R, Q403R.
Identifiers: ClinVar variation 3081185 (VCV003081185.3), dbSNP rs2501251784, ClinGen allele CA382887008.

ClinVar aggregate classification (germline): Uncertain significance. Review status: criteria provided, multiple submitters, no conflicts (2 of 4 stars). 2 submissions from 2 submitters: Uncertain significance (2). Last evaluated 2024-04-12.

Conditions:
Inborn genetic diseases. Identifiers: MedGen C0950123, MeSH D030342.

Submissions (2):

Ambry Genetics
Classification: Uncertain significance for Inborn genetic diseases. Last evaluated: 2024-04-12. Review status: criteria provided, single submitter. Criteria: Ambry Variant Classification Scheme 2023. Collection method: clinical testing. Allele origin: germline.
Comment: The c.1355A>G (p.Q452R) alteration is located in exon 13 (coding exon 12) of the DDX6 gene. This alteration results from an A to G substitution at nucleotide position 1355, causing the glutamine (Q) at amino acid position 452 to be replaced by an arginine (R). This variant was not reported in population-based cohorts in the Genome Aggregation Database (gnomAD). This amino acid position is highly conserved in available vertebrate species. This missense alteration is located in a region that has a low rate of benign missense variation (Lek, 2016; Firth, 2009). The in silico prediction for this alteration is inconclusive. Based on insufficient or conflicting evidence, the clinical significance of this alteration remains unclear.

GeneDx
Classification: Uncertain significance. Last evaluated: 2023-06-28. Review status: criteria provided, single submitter. Criteria: GeneDx Variant Classification Process June 2021. Collection method: clinical testing. Allele origin: germline. Affected: yes.
Comment: Not observed at significant frequency in large population cohorts (gnomAD); In silico analysis supports that this missense variant does not alter protein structure/function; Has not been previously published as pathogenic or benign to our knowledge